The following is an entry in ClinVar:

ClinVar aggregate classification (germline): Uncertain significance (1 of 4 stars; one submission).

Conditions:
Disseminated atypical mycobacterial infection. Identifiers: MedGen C0694566.

Allele frequency attached by ClinVar (database versions not stated): gnomAD exomes 0.00001 and below 0.00001; TOPMed below 0.00001.

Submission:

Labcorp Genetics (formerly Invitae), Labcorp
Classification: Uncertain significance for Disseminated atypical mycobacterial infection. Last evaluated: 2025-09-04. Review status: criteria provided, single submitter. Criteria: Invitae Variant Classification Sherloc (09022015). Collection method: clinical testing. Allele origin: germline.
Comment: This sequence change replaces aspartic acid, which is acidic and polar, with glycine, which is neutral and non-polar, at codon 133 of the IFNGR1 protein (p.Asp133Gly). This variant is present in population databases (rs760053836, gnomAD 0.007%). This variant has not been reported in the literature in individuals affected with IFNGR1-related conditions. ClinVar contains an entry for this variant (Variation ID: 1516742). Invitae Evidence Modeling of protein sequence and biophysical properties (such as structural, functional, and spatial information, amino acid conservation, physicochemical variation, residue mobility, and thermodynamic stability) indicates that this missense variant is not expected to disrupt IFNGR1 protein function with a negative predictive value of 80%. In summary, the available evidence is currently insufficient to determine the role of this variant in disease. Therefore, it has been classified as a Variant of Uncertain Significance.

NM_000416.3(IFNGR1):c.398A>G (p.Asp133Gly)

Gene: IFNGR1 (interferon gamma receptor 1; minus strand). Cytogenetic location: 6q23.3.
Variant type: single nucleotide variant.
Coding change: c.398A>G on transcript NM_000416.3 (MANE Select); coding-DNA position 398, A replaced by G.
Protein change: p.Asp133Gly; replaces aspartic acid 133 with glycine.
Molecular consequence: missense variant.
Genome position (GRCh38, 1-based): chr6:137,204,480, T>C on the plus strand (A>G on the coding strand, the complement: IFNGR1 is on the minus strand). VCF-style: chr6-137204480-T-C. GRCh37 (hg19) VCF-style: chr6-137525617-T-C.
Other names: c.368A>G, p.Asp123Gly (NM_001363526.1); c.275A>G, p.Asp92Gly (NM_001363527.1); short protein forms D123G, D92G, D133G.
Identifiers: ClinVar variation 1516742 (VCV001516742.6), dbSNP rs760053836, ClinGen allele CA148229877.